The following is an entry in ClinVar:

ClinVar aggregate classification (germline): Likely pathogenic (1 of 4 stars; one submission).

Conditions:
Familial juvenile hyperuricemic nephropathy type 1 (ADTKD1). Also called: UMOD-Associated Kidney Disease; Uromodulin-associated kidney disease; Glomerulocystic kidney disease with hyperuricemia and isosthenuria; Medullary cystic kidney disease 2; Autosomal Dominant Tubulointerstitial Kidney Disease – UMOD. Identifiers: Orphanet 209886, Orphanet 34149, Orphanet 88950, MedGen C4551496, MONDO:0008073, OMIM 162000.

gnomAD v4.1: 2 of 1,574,994 alleles (0.00013%); highest among the groups gnomAD compares: East Asian, 0.0023%; no homozygotes.

Submission:

Center for Precision Genome Editing and Genetic Technologies for Biomedicine, Pirogov Russian National Research Medical University
Classification: Likely pathogenic for Familial juvenile hyperuricemic nephropathy type 1. Review status: criteria provided, single submitter. Criteria: ACMG Guidelines, 2015. Collection method: clinical testing. Allele origin: biparental. Inheritance: Autosomal dominant inheritance. Affected: yes. Observed: 1 heterozygote.
Comment: This is a missense variant that results in an amino acid substitution. The variant is located within a hotspot region of 17 amino acids, where 12 missense or in-frame variants have been reported (8 pathogenic, 4 of uncertain significance, none benign), meeting the PM1 criterion. An alternative amino acid change at the same position (p.Gly105Cys) has been classified as likely pathogenic, supporting the PM5 criterion. This variant has been observed in gnomAD with a frequency of 0.00000127, meeting the PM2 criterion. Based on the applied ACMG/AMP criteria (PM1, PM2, PM5), this variant is classified as likely pathogenic for autosomal dominant tubulointerstitial kidney disease, type 1 (OMIM: 162000).

NM_003361.4(UMOD):c.314G>A (p.Gly105Asp)

Gene: UMOD (uromodulin; minus strand). Cytogenetic location: 16p12.3.
Variant type: single nucleotide variant.
Coding change: c.314G>A on transcript NM_003361.4 (MANE Select); coding-DNA position 314, G replaced by A.
Protein change: p.Gly105Asp; replaces glycine 105 with aspartic acid.
Molecular consequence: missense variant. On other transcripts: non-coding transcript variant (1).
Genome position (GRCh38, 1-based): chr16:20,348,987, C>T on the plus strand (G>A on the coding strand, the complement: UMOD is on the minus strand). VCF-style: chr16-20348987-C-T. GRCh37 (hg19) VCF-style: chr16-20360309-C-T.
Other names: c.314G>A, p.Gly105Asp (NM_001008389.3, NM_001378232.1, NM_001378233.1 and 3 more transcripts); c.413G>A, p.Gly138Asp (NM_001278614.2); short protein forms G105D, G138D.
Identifiers: ClinVar variation 3775102 (VCV003775102.1), dbSNP rs1162633293.